The following is an entry in ClinVar:

ClinVar aggregate classification (germline): Uncertain significance (1 of 4 stars; one submission).

Conditions:
Glycogen storage disease type III (GSD3). Also called: FORBES DISEASE; Cori disease. Identifiers: Orphanet 366, MedGen C0017922, MONDO:0009291, OMIM 232400.

gnomAD v4.1: 3 of 1,614,010 alleles (0.00019%); highest among the groups gnomAD compares: Non-Finnish European, 0.00025%; no homozygotes.

Submission:

Labcorp Genetics (formerly Invitae), Labcorp
Classification: Uncertain significance for Glycogen storage disease type III. Last evaluated: 2024-01-04. Review status: criteria provided, single submitter. Criteria: Invitae Variant Classification Sherloc (09022015). Collection method: clinical testing. Allele origin: germline.
Comment: This sequence change replaces threonine, which is neutral and polar, with serine, which is neutral and polar, at codon 38 of the AGL protein (p.Thr38Ser). This variant is present in population databases (no rsID available, gnomAD 0.0009%). This variant has not been reported in the literature in individuals affected with AGL-related conditions. Advanced modeling of protein sequence and biophysical properties (such as structural, functional, and spatial information, amino acid conservation, physicochemical variation, residue mobility, and thermodynamic stability) performed at Invitae indicates that this missense variant is not expected to disrupt AGL protein function with a negative predictive value of 80%. In summary, the available evidence is currently insufficient to determine the role of this variant in disease. Therefore, it has been classified as a Variant of Uncertain Significance.

NM_000642.3(AGL):c.112A>T (p.Thr38Ser)

Gene: AGL (amylo-alpha-1,6-glucosidase and 4-alpha-glucanotransferase; plus strand). Cytogenetic location: 1p21.2.
Variant type: single nucleotide variant.
Coding change: c.112A>T on transcript NM_000642.3 (MANE Select); coding-DNA position 112, A replaced by T.
Protein change: p.Thr38Ser; replaces threonine 38 with serine.
Molecular consequence: missense variant.
Genome position (GRCh38, 1-based): chr1:99,861,532, A>T. VCF-style: chr1-99861532-A-T. GRCh37 (hg19) VCF-style: chr1-100327088-A-T.
Other names: c.112A>T, p.Thr38Ser (NM_000028.3, NM_000643.3, NM_000644.3 and 5 more transcripts); c.64A>T, p.Thr22Ser (NM_000646.3); short protein forms T22S, T38S.
Identifiers: ClinVar variation 2723215 (VCV002723215.2), dbSNP rs35278779, ClinGen allele CA341329061.